The following is an entry in ClinVar:

ClinVar aggregate classification (germline): Pathogenic/Likely pathogenic. Review status: criteria provided, multiple submitters, no conflicts (2 of 4 stars). 4 submissions from 4 submitters: Pathogenic (2); Likely pathogenic (1). 1 of the submissions does not count toward it. Last evaluated 2025-02-12.

Conditions:
Congenital short bowel syndrome, autosomal recessive. Identifiers: MedGen CN296805, MONDO:0020718, OMIM 615237.
Congenital short bowel syndrome (CSBS). Identifiers: Orphanet 2301, MedGen C5441717, MONDO:0014097.
Intestinal pseudo-obstruction. Also called: Hollow visceral myopathy. Identifiers: MedGen C0021847, MONDO:0002803, HP:0004389.

Allele frequency attached by ClinVar (database versions not stated): ExAC 0.00001.
gnomAD v4.1: 18 of 1,613,952 alleles (0.0011%); highest among the groups gnomAD compares: Non-Finnish European, 0.0014%; no homozygotes.

Submissions (4):

GeneDx
Classification: Pathogenic. Last evaluated: 2025-02-12. Review status: criteria provided, single submitter. Criteria: GeneDx Variant Classification Process June 2021. Collection method: clinical testing. Allele origin: germline. Affected: yes.
Comment: Nonsense variant predicted to result in protein truncation or nonsense mediated decay in a gene for which loss of function is a known mechanism of disease; Not observed at significant frequency in large population cohorts (gnomAD); This variant is associated with the following publications: (PMID: 35111702, 31061750, 33384711, 27352967)

Broad Center for Mendelian Genomics, Broad Institute of MIT and Harvard
Classification: Likely pathogenic for Congenital short bowel syndrome, autosomal recessive. Last evaluated: 2023-01-25. Review status: criteria provided, single submitter. Criteria: ACMG Guidelines, 2015. Collection method: curation. Allele origin: germline. Inheritance: Autosomal recessive inheritance.
Comment: The p.Arg170Ter variant in CLMP has been previously reported in 2 affected relatives from one family with congenital short bowel syndrome (PMID: 27352967) but has been identified in 0.0009% (1/113732) of European (non-Finnish) chromosomes by the Genome Aggregation Database (gnomAD; dbSNP ID: rs765907815). Although this variant has been seen in the general population in a heterozygous state, its frequency is low enough to be consistent with a recessive carrier frequency. These affected individuals and the individual identified by our study were homozygotes, which increases the likelihood that the p.Arg170Ter variant is pathogenic. This variant has also been reported in ClinVar (Variation ID: 224071) and has been interpreted as pathogenic by Clinical Genetics, Erasmus University Medical Center and OMIM. This nonsense variant leads to a premature termination codon at position 170, which is predicted to lead to a truncated or absent protein. Loss of function of the CLMP gene is strongly associated to congenital short bowel syndrome. In summary, although additional studies are required to fully establish its clinical significance, this variant is likely pathogenic for autosomal recessive congenital short bowel syndrome. ACMG/AMP Criteria applied: PVS1_Strong, PM2_Supporting, PM3 (Richards 2015).

Clinical Genetics, Erasmus University Medical Center
Classification: Pathogenic for Congenital short bowel syndrome, autosomal recessive. Review status: criteria provided, single submitter. Criteria: ACGS Guidelines, 2013. Collection method: research. Allele origin: inherited. Inheritance: Autosomal recessive inheritance. Affected: yes. Observed: 2 variant alleles, 2 homozygotes.

OMIM
Classification: Pathogenic for CONGENITAL SHORT BOWEL SYNDROME. Last evaluated: 2022-03-10. Review status: no assertion criteria provided. Collection method: literature only. Allele origin: germline. Not counted in ClinVar's aggregate classification.

Literature cited by the submitters: PubMed 27352967 (cited by Clinical Genetics, Erasmus University Medical Center and OMIM).

NM_024769.5(CLMP):c.508C>T (p.Arg170Ter)

Genes: CLMP (CXADR like cell adhesion molecule; minus strand), LOC112042785 (Sharpr-MPRA regulatory region 9139; plus strand). Cytogenetic location: 11q24.1.
Variant type: single nucleotide variant.
Coding change: c.508C>T on transcript NM_024769.5 (MANE Select); coding-DNA position 508, C replaced by T.
Protein change: p.Arg170Ter; replaces arginine 170 with a stop codon.
Molecular consequence: nonsense.
Genome position (GRCh38, 1-based): chr11:123,083,728, G>A on the plus strand (C>T on the coding strand, the complement: CLMP is on the minus strand). VCF-style: chr11-123083728-G-A. GRCh37 (hg19) VCF-style: chr11-122954436-G-A.
Other names: NM_024769.5(CLMP):c.508C>T; p.Arg170Ter; c.508C>T (NM_024769.2); short protein forms R170*.
Identifiers: ClinVar variation 224071 (VCV000224071.7), dbSNP rs765907815, ClinGen allele CA6333093.
Genomic context (GRCh38, chr11:123,083,728, plus strand): 5'-AAGATGACTTACCAATCCTAGATTTGGGAGGCAGACGTTCATCCTCTCCCTCTTTCTCTC[G>A]GATTCGCTGCCAGTAATACACAATGGGCTCTGTGCCAGAGGATGACTCACACTGCAAAGT-3'